The following is an entry in ClinVar:

NM_005477.3(HCN4):c.955G>A (p.Val319Met)

Genes: HCN4 (hyperpolarization activated cyclic nucleotide gated potassium channel 4; minus strand), LOC105370890 (uncharacterized LOC105370890; plus strand), LOC126862173 (CDK7 strongly-dependent group 2 enhancer GRCh37_chr15:73635762-73636961; plus strand). Cytogenetic location: 15q24.1.
Variant type: single nucleotide variant.
Coding change: c.955G>A on transcript NM_005477.3 (MANE Select); coding-DNA position 955, G replaced by A.
Protein change: p.Val319Met; replaces valine 319 with methionine.
Molecular consequence: missense variant.
Genome position (GRCh38, 1-based): chr15:73,343,639, C>T on the plus strand (G>A on the coding strand, the complement: HCN4 is on the minus strand). VCF-style: chr15-73343639-C-T. GRCh37 (hg19) VCF-style: chr15-73635980-C-T.
Other names: short protein forms V319M.
Identifiers: ClinVar variation 860790 (VCV000860790.12), dbSNP rs773269320, ClinGen allele CA7649393.

ClinVar aggregate classification (germline): Uncertain significance. Review status: criteria provided, multiple submitters, no conflicts (2 of 4 stars). 3 submissions from 3 submitters: Uncertain significance (3). Last evaluated 2025-12-16.

Conditions:
Brugada syndrome 8 (BRGDA8). Identifiers: Orphanet 130, MedGen C2751083, MONDO:0013148, OMIM 613123.
Epilepsy, idiopathic generalized, susceptibility to, 18. Identifiers: MedGen C5561983, MONDO:0030434, OMIM 619521.
Sick sinus syndrome 2, autosomal dominant (SSS2). Also called: SINUS BRADYCARDIA SYNDROME, FAMILIAL, AUTOSOMAL DOMINANT; SINUS NODE DISEASE, FAMILIAL, AUTOSOMAL DOMINANT; ATRIAL FIBRILLATION WITH BRADYARRHYTHMIA; SICK SINUS SYNDROME 2; SICK SINUS SYNDROME 2 WITH OR WITHOUT CARDIAC NONCOMPACTION AND/OR ASCENDING AORTA DILATION. Identifiers: Orphanet 166282, MedGen C1834144, MONDO:0008102, OMIM 163800.
Cardiovascular phenotype. Identifiers: MedGen CN230736.

Allele frequency attached by ClinVar (database versions not stated): gnomAD exomes below 0.00001; ExAC 0.00001; TOPMed 0.00001.
gnomAD v4.1: 21 of 1,614,158 alleles (0.0013%); highest among the groups gnomAD compares: Admixed American, 0.0017%; no homozygotes.

Submissions (3):

Ambry Genetics
Classification: Uncertain significance for Cardiovascular phenotype. Last evaluated: 2025-12-16. Review status: criteria provided, single submitter. Criteria: Ambry Variant Classification Scheme 2023. Collection method: clinical testing. Allele origin: germline.
Comment: The p.V319M variant (also known as c.955G>A), located in coding exon 2 of the HCN4 gene, results from a G to A substitution at nucleotide position 955. The valine at codon 319 is replaced by methionine, an amino acid with highly similar properties. This amino acid position is conserved. In addition, this alteration is predicted to be deleterious by in silico analysis. Based on the available evidence, the clinical significance of this variant remains unclear.

Labcorp Genetics (formerly Invitae), Labcorp
Classification: Uncertain significance for Brugada syndrome 8. Last evaluated: 2025-12-16. Review status: criteria provided, single submitter. Criteria: Invitae Variant Classification Sherloc (09022015). Collection method: clinical testing. Allele origin: germline.
Comment: This sequence change replaces valine, which is neutral and non-polar, with methionine, which is neutral and non-polar, at codon 319 of the HCN4 protein (p.Val319Met). This variant is present in population databases (rs773269320, gnomAD 0.002%). This variant has not been reported in the literature in individuals affected with HCN4-related conditions. ClinVar contains an entry for this variant (Variation ID: 860790). Invitae Evidence Modeling of protein sequence and biophysical properties (such as structural, functional, and spatial information, amino acid conservation, physicochemical variation, residue mobility, and thermodynamic stability) indicates that this missense variant is not expected to disrupt HCN4 protein function with a negative predictive value of 95%. In summary, the available evidence is currently insufficient to determine the role of this variant in disease. Therefore, it has been classified as a Variant of Uncertain Significance.

Fulgent Genetics
Classification: Uncertain significance for Sick sinus syndrome 2, autosomal dominant; Brugada syndrome 8; Epilepsy, idiopathic generalized, susceptibility to, 18. Last evaluated: 2022-02-11. Review status: criteria provided, single submitter. Criteria: ACMG Guidelines, 2015. Collection method: clinical testing. Allele origin: unknown.